The following is an entry in ClinVar:

ClinVar aggregate classification (germline): Uncertain significance. Review status: reviewed by expert panel (3 of 4 stars). 3 submissions from 3 submitters: Uncertain significance (1). 2 of the submissions do not count toward it. Last evaluated 2024-08-27.

Conditions:
Actin accumulation myopathy (CMYO2A). Also called: Myopathy, actin, congenital, with cores; Nemaline myopathy 3, with intranuclear rods; CONGENITAL MYOPATHY 2A, TYPICAL, AUTOSOMAL DOMINANT; Nemaline myopathy type 3; Myopathy, actin, congenital, with excess of thin myofilaments. Identifiers: Orphanet 98904, MedGen C3711389, MONDO:0008070, OMIM 161800.
Alpha-actinopathy. Also called: Actinopathy. Identifiers: MedGen CN295279, MONDO:0100084.

gnomAD v4.1: 1 of 1,613,988 alleles (0.000062%); no homozygotes.

Submissions (3):

ClinGen Congenital Myopathies Variant Curation Expert Panel, ClinGen
Classification: Uncertain significance for Alpha-actinopathy. Last evaluated: 2024-08-27. Review status: reviewed by expert panel. Criteria: ClinGen CongenMyopathy ACMG Specifications ACTA1_AD_ V2.0.0. Collection method: curation. Allele origin: germline. Inheritance: Autosomal dominant inheritance.
Comment: The c.1071G>C variant in ACTA1 is a missense variant predicted to cause substitution of methionine by isoleucine at amino acid 357 (legacy nomenclature: p.Met355Ile). This variant is absent from gnomAD v4.1.0 (PM2_Supporting). The computational predictor REVEL gives a score of 0.921, which is above the threshold of 0.7, evidence that correlates with impact to ACTA1 function (PP3). ACTA1, in which the variant was identified, is defined by the ClinGen Congenital Myopathies VCEP as a gene that has a low rate of benign missense variation and where pathogenic missense variants are a common mechanism of disease (PP2). This variant has been reported in 2 adult probands with features of muscle weakness (PS4_Supporting; Invitae, SCV001199812.3, GeneDx, SCV001989742.1). In summary, this variant meets the criteria to be classified as uncertain significance for autosomal dominant alpha-actinopathy based on the ACMG/AMP criteria applied, as specified by the ClinGen Congenital Myopathies VCEP: PS4_Supporting, PM2_Supporting, PP2, PP3 (Congenital Myopathies VCEP specifications version 2; 08/27/2024).

Labcorp Genetics (formerly Invitae), Labcorp
Classification: Uncertain significance for Actin accumulation myopathy. Last evaluated: 2019-12-23. Review status: criteria provided, single submitter. Criteria: Invitae Variant Classification Sherloc (09022015). Collection method: clinical testing. Allele origin: germline. Not counted in ClinVar's aggregate classification.
Comment: This variant is not present in population databases (ExAC no frequency). This sequence change replaces methionine with isoleucine at codon 357 of the ACTA1 protein (p.Met357Ile). The methionine residue is highly conserved and there is a small physicochemical difference between methionine and isoleucine. This variant has not been reported in the literature in individuals with ACTA1-related conditions. Algorithms developed to predict the effect of missense changes on protein structure and function are either unavailable or do not agree on the potential impact of this missense change (SIFT: "Deleterious"; PolyPhen-2: "Benign"; Align-GVGD: "Class C0"). In summary, the available evidence is currently insufficient to determine the role of this variant in disease. Therefore, it has been classified as a Variant of Uncertain Significance.

GeneDx
Classification: Uncertain significance. Last evaluated: 2019-04-16. Review status: criteria provided, single submitter. Criteria: GeneDx Variant Classification Process June 2021. Collection method: clinical testing. Allele origin: germline. Affected: yes. Not counted in ClinVar's aggregate classification.
Comment: Not observed in large population cohorts (Lek et al., 2016); The majority of missense variants in this gene are considered pathogenic (Stenson et al., 2014); In silico analysis, which includes protein predictors and evolutionary conservation, supports that this variant does not alter protein structure/function; Has not been previously published as pathogenic or benign to our knowledge

NM_001100.4(ACTA1):c.1071G>C (p.Met357Ile)

Gene: ACTA1 (actin alpha 1, skeletal muscle; minus strand). Cytogenetic location: 1q42.13.
Variant type: single nucleotide variant.
Coding change: c.1071G>C on transcript NM_001100.4 (MANE Select); coding-DNA position 1071, G replaced by C.
Protein change: p.Met357Ile; replaces methionine 357 with isoleucine.
Molecular consequence: missense variant.
Genome position (GRCh38, 1-based): chr1:229,431,562, C>G on the plus strand (G>C on the coding strand, the complement: ACTA1 is on the minus strand). VCF-style: chr1-229431562-C-G. GRCh37 (hg19) VCF-style: chr1-229567309-C-G.
Other names: NM_001100.4(ACTA1):c.1071G>C; p.Met357Ile; short protein forms M357I.
Identifiers: ClinVar variation 835545 (VCV000835545.18), dbSNP rs745494410, ClinGen allele CA345144479.